The following is an entry in ClinVar:

NM_207361.6(FREM2):c.5518C>T (p.Arg1840Trp)

Gene: FREM2 (FRAS1 related extracellular matrix 2; plus strand). Cytogenetic location: 13q13.3.
Variant type: single nucleotide variant.
Coding change: c.5518C>T on transcript NM_207361.6 (MANE Select); coding-DNA position 5518, C replaced by T.
Protein change: p.Arg1840Trp; replaces arginine 1840 with tryptophan.
Molecular consequence: missense variant.
Genome position (GRCh38, 1-based): chr13:38,769,685, C>T. VCF-style: chr13-38769685-C-T. GRCh37 (hg19) VCF-style: chr13-39343822-C-T.
Other names: p.Arg1840Trp; short protein forms R1840W.
Identifiers: ClinVar variation 311993 (VCV000311993.18), dbSNP rs9603422, ClinGen allele CA6955270.

ClinVar aggregate classification (germline): Benign. Review status: criteria provided, multiple submitters, no conflicts (2 of 4 stars). 6 submissions from 6 submitters: Benign (6). Last evaluated 2026-02-04.

Conditions:
Fraser syndrome 2 (FRASRS2). Identifiers: MedGen C4540036, MONDO:0054738, OMIM 617666.

Allele frequency attached by ClinVar (database versions not stated): 1000 Genomes Project 0.14177; ESP Exome Variant Server 0.15293; ExAC 0.12153; gnomAD 0.13962 and 0.14074; 1000 Genomes Project 30x 0.14022; TOPMed 0.14130.
gnomAD v4.1: 193,590 of 1,613,820 alleles (12%); highest among the groups gnomAD compares: African/African-American, 22%; 12,441 homozygotes.

Submissions (6):

Labcorp Genetics (formerly Invitae), Labcorp
Classification: Benign. Last evaluated: 2026-02-04. Review status: criteria provided, single submitter. Criteria: Invitae Variant Classification Sherloc (09022015). Collection method: clinical testing. Allele origin: germline.

Blueprint Genetics
Classification: Benign. Last evaluated: 2024-11-27. Review status: criteria provided, single submitter. Criteria: ACMG Guidelines, 2015. Collection method: clinical testing. Allele origin: germline.

Mayo Clinic Laboratories, Mayo Clinic
Classification: Benign. Last evaluated: 2022-03-09. Review status: criteria provided, single submitter. Criteria: ACMG Guidelines, 2015. Collection method: clinical testing. Allele origin: germline. Observed: 15 variant alleles.

GeneDx
Classification: Benign. Last evaluated: 2018-08-29. Review status: criteria provided, single submitter. Criteria: GeneDx Variant Classification Process June 2021. Collection method: clinical testing. Allele origin: germline. Affected: yes.

Illumina Laboratory Services, Illumina
Classification: Benign for Fraser syndrome 2. Last evaluated: 2018-01-12. Review status: criteria provided, single submitter. Criteria: ICSL Variant Classification Criteria 13 December 2019. Collection method: clinical testing. Allele origin: germline.
Comment: This variant was observed in the ICSL laboratory as part of a predisposition screen in an ostensibly healthy population. It had not been previously curated by ICSL or reported in the Human Gene Mutation Database (HGMD: prior to June 1st, 2018), and was therefore a candidate for classification through an automated scoring system. Utilizing variant allele frequency, disease prevalence and penetrance estimates, and inheritance mode, an automated score was calculated to assess if this variant is too frequent to cause the disease. Based on the score and internal cut-off values, a variant classified as benign is not then subjected to further curation. The score for this variant resulted in a classification of benign for this disease.

Breakthrough Genomics
Classification: Benign. Review status: criteria provided, single submitter. Criteria: ACMG Guidelines, 2015. Collection method: not provided. Allele origin: germline. Inheritance: Autosomal recessive inheritance. Affected: yes.